The following is an entry in ClinVar:

NM_000545.8(HNF1A):c.252C>T (p.Pro84=)

Gene: HNF1A (HNF1 homeobox A; plus strand). Cytogenetic location: 12q24.31.
Variant type: single nucleotide variant.
Coding change: c.252C>T on transcript NM_000545.8 (MANE Select); coding-DNA position 252, C replaced by T.
Protein change: p.Pro84=; no amino-acid change (proline 84 retained).
Molecular consequence: synonymous variant.
Genome position (GRCh38, 1-based): chr12:120,979,020, C>T. VCF-style: chr12-120979020-C-T. GRCh37 (hg19) VCF-style: chr12-121416823-C-T.
Other names: c.252C>T, p.Pro84= (NM_001306179.2).
Identifiers: ClinVar variation 36815 (VCV000036815.22), dbSNP rs78772552, ClinGen allele CA214686.

ClinVar aggregate classification (germline): Benign/Likely benign. Review status: criteria provided, multiple submitters, no conflicts (2 of 4 stars). 11 submissions from 10 submitters: Benign (7); Likely benign (2). 2 of the submissions do not count toward it. Last evaluated 2026-01-28.

Conditions:
Maturity-onset diabetes of the young (MODY). Also called: Maturity onset diabetes mellitus in young. Identifiers: Orphanet 552, MedGen C0342276, MONDO:0018911, HP:0004904.
Nonpapillary renal cell carcinoma. Identifiers: Orphanet 422526, MedGen CN074294, MONDO:0007763, OMIM 144700.
Maturity-onset diabetes of the young type 3. Also called: MODY type 3; MODY, type III. Identifiers: Orphanet 552, MedGen C1838100, MeSH C563933, MONDO:0010894, OMIM 600496. Disease mechanism: loss of function.

Allele frequency attached by ClinVar (database versions not stated): gnomAD exomes 0.00048; ExAC 0.00067; ESP Exome Variant Server 0.00185; gnomAD 0.00202 and 0.00215; TOPMed 0.00212; 1000 Genomes Project 30x 0.00250; 1000 Genomes Project 0.00280.

Submissions (11):

Labcorp Genetics (formerly Invitae), Labcorp
Classification: Benign. Last evaluated: 2026-01-28. Review status: criteria provided, single submitter. Criteria: Invitae Variant Classification Sherloc (09022015). Collection method: clinical testing. Allele origin: germline.

KCCC/NGS Laboratory, Kuwait Cancer Control Center
Classification: Benign for Maturity-onset diabetes of the young type 3. Last evaluated: 2025-02-01. Review status: criteria provided, single submitter. Criteria: ACMG Guidelines, 2015. Collection method: clinical testing. Allele origin: germline. Affected: no.

Blueprint Genetics
Classification: Likely benign. Last evaluated: 2024-10-09. Review status: criteria provided, single submitter. Criteria: ACMG Guidelines, 2015. Collection method: clinical testing. Allele origin: germline.

Athena Diagnostics
Classification: Benign. Last evaluated: 2024-07-31. Review status: criteria provided, single submitter. Criteria: Athena Diagnostics Criteria. Collection method: clinical testing. Allele origin: unknown.

KCCC/NGS Laboratory, Kuwait Cancer Control Center
Classification: Benign for Nonpapillary renal cell carcinoma. Last evaluated: 2023-07-07. Review status: criteria provided, single submitter. Criteria: ACMG Guidelines, 2015. Collection method: clinical testing. Allele origin: germline. Affected: yes.

Genetic Services Laboratory, University of Chicago
Classification: Benign. Last evaluated: 2017-09-29. Review status: criteria provided, single submitter. Criteria: ACMG Guidelines, 2015. Collection method: clinical testing. Allele origin: germline. Affected: no.

GeneDx
Classification: Benign. Last evaluated: 2016-09-28. Review status: criteria provided, single submitter. Criteria: GeneDx Variant Classification (06012015). Collection method: clinical testing. Allele origin: germline. Affected: yes.
Comment: This variant is considered likely benign or benign based on one or more of the following criteria: it is a conservative change, it occurs at a poorly conserved position in the protein, it is predicted to be benign by multiple in silico algorithms, and/or has population frequency not consistent with disease.

Ambry Genetics
Classification: Benign for Maturity-onset diabetes of the young. Last evaluated: 2016-08-25. Review status: criteria provided, single submitter. Criteria: Ambry Variant Classification Scheme 2023. Collection method: clinical testing. Allele origin: germline.

Clinical Genomics, Uppaluri K&H Personalized Medicine Clinic
Classification: Likely benign for Maturity-onset diabetes of the young. Review status: criteria provided, single submitter. Criteria: K & H Uppaluri Personalized Medicine Clinic Variant Classification & Assertion Criteria_Updated V.1. Collection method: research. Allele origin: unknown. Inheritance: Autosomal dominant inheritance.
Comment: Mutations in HNF1A gene can predispose to MODY3. It is associated with both micro and macrovascular complications of diabetes, especially cardiovascular complications. Associated with glucosuria. May respond well to sulfonylureas. However, more evidence is required to confer the association of this particular variant rs78772552 with MODY3.

ITMI
No classification provided. Condition: AllHighlyPenetrant. Last evaluated: 2013-09-19. Review status: no classification provided. Collection method: reference population. Allele origin: germline. Not counted in ClinVar's aggregate classification.
Comment: Please see associated publication for description of ethnicities

Women's Health and Genetics/Laboratory Corporation of America, LabCorp
No classification provided. Condition: Maturity-onset diabetes of the young, type 3. Last evaluated: 2011-11-26. Review status: no classification provided. Collection method: clinical testing. Allele origin: germline. Not counted in ClinVar's aggregate classification.

Literature cited by the submitters: PubMed 31517624 (cited by Clinical Genomics, Uppaluri K&H Personalized Medicine Clinic); PubMed 32395877 (cited by Clinical Genomics, Uppaluri K&H Personalized Medicine Clinic); PubMed 35328643 (cited by Clinical Genomics, Uppaluri K&H Personalized Medicine Clinic); PubMed 24728327 (cited by ITMI).